The following is an entry in ClinVar:

NM_017649.5(CNNM2):c.786T>C (p.Ile262=)

Gene: CNNM2 (cyclin and CBS domain divalent metal cation transport mediator 2; plus strand). Cytogenetic location: 10q24.32.
Variant type: single nucleotide variant.
Coding change: c.786T>C on transcript NM_017649.5 (MANE Select); coding-DNA position 786, T replaced by C.
Protein change: p.Ile262=; no amino-acid change (isoleucine 262 retained).
Molecular consequence: synonymous variant.
Genome position (GRCh38, 1-based): chr10:102,919,266, T>C. VCF-style: chr10-102919266-T-C. GRCh37 (hg19) VCF-style: chr10-104679023-T-C.
Other names: c.786T>C, p.Ile262= (NM_199076.3, NM_199077.3); c.786T>C (NM_017649.4).
Identifiers: ClinVar variation 4877778 (VCV004877778.2).

ClinVar aggregate classification (germline): Likely benign. Review status: criteria provided, multiple submitters, no conflicts (2 of 4 stars). 2 submissions from 2 submitters: Likely benign (2). Last evaluated 2026-05-14.

Conditions:
CNNM2-related disorder. Also called: CNNM2-related condition.

Submissions (2):

Revvity Omics, Revvity
Classification: Likely benign. Last evaluated: 2026-05-14. Review status: criteria provided, single submitter. Criteria: ACMG Guidelines, 2015. Collection method: clinical testing. Allele origin: germline.

PreventionGenetics, part of Exact Sciences
Classification: Likely benign for CNNM2-related condition. Last evaluated: 2025-06-20. Review status: criteria provided, single submitter. Criteria: ACMG Guidelines, 2015. Collection method: clinical testing. Allele origin: germline.
Comment: This variant is classified as likely benign based on ACMG/AMP sequence variant interpretation guidelines (Richards et al. 2015 PMID: 25741868, with internal and published modifications).